The following is an entry in ClinVar:

ClinVar aggregate classification (germline): Uncertain significance (1 of 4 stars; one submission).

Allele frequency attached by ClinVar (database versions not stated): ExAC 0.00007; gnomAD 0.00010; TOPMed 0.00011; gnomAD exomes 0.00013; 1000 Genomes Project 30x 0.00016; ESP Exome Variant Server 0.00017; 1000 Genomes Project 0.00020.
gnomAD v4.1: 218 of 1,601,948 alleles (0.014%); highest among the groups gnomAD compares: Non-Finnish European, 0.016%; no homozygotes.

Submission:

Labcorp Genetics (formerly Invitae), Labcorp
Classification: Uncertain significance. Last evaluated: 2024-09-02. Review status: criteria provided, single submitter. Criteria: Invitae Variant Classification Sherloc (09022015). Collection method: clinical testing. Allele origin: germline.
Comment: This sequence change replaces alanine, which is neutral and non-polar, with valine, which is neutral and non-polar, at codon 581 of the ATP13A3 protein (p.Ala581Val). This variant is present in population databases (rs201810402, gnomAD 0.01%). This variant has not been reported in the literature in individuals affected with ATP13A3-related conditions. Invitae Evidence Modeling of protein sequence and biophysical properties (such as structural, functional, and spatial information, amino acid conservation, physicochemical variation, residue mobility, and thermodynamic stability) indicates that this missense variant is not expected to disrupt ATP13A3 protein function with a negative predictive value of 80%. In summary, the available evidence is currently insufficient to determine the role of this variant in disease. Therefore, it has been classified as a Variant of Uncertain Significance.

NM_001367549.1(ATP13A3):c.1742C>T (p.Ala581Val)

Gene: ATP13A3 (ATPase 13A3; minus strand). Cytogenetic location: 3q29.
Variant type: single nucleotide variant.
Coding change: c.1742C>T on transcript NM_001367549.1 (MANE Select); coding-DNA position 1742, C replaced by T.
Protein change: p.Ala581Val; replaces alanine 581 with valine.
Molecular consequence: missense variant. On other transcripts: non-coding transcript variant (2).
Genome position (GRCh38, 1-based): chr3:194,438,941, G>A on the plus strand (C>T on the coding strand, the complement: ATP13A3 is on the minus strand). VCF-style: chr3-194438941-G-A. GRCh37 (hg19) VCF-style: chr3-194159670-G-A.
Other names: c.1661C>T, p.Ala554Val (NM_001374836.1); c.1742C>T, p.Ala581Val (NM_024524.4); short protein forms A581V, A554V.
Identifiers: ClinVar variation 2911685 (VCV002911685.3), dbSNP rs201810402, ClinGen allele CA2761892.
Genomic context (GRCh38, chr3:194,438,941, plus strand): 5'-GATTCAGGAAGCAGTTGTTTGGGAGGACGAACCACTGTGGGCATAATTCGATTATGAAGT[G>A]CTGTTTCTTCTTCAGTTGCTTCTTCCAGAATCTGGAAAAAAAAAAGAGACAAAAAAAAAC-3'
Protein context (NP_001354478.1, residues 571-591): ILEEATEEET[Ala581Val]LHNRIMPTVV